The following is an entry in ClinVar:

ClinVar aggregate classification (germline): Uncertain significance (1 of 4 stars; one submission).

Conditions:
Inborn genetic diseases. Identifiers: MedGen C0950123, MeSH D030342.

Allele frequency attached by ClinVar (database versions not stated): gnomAD exomes below 0.00001.

Submission:

Ambry Genetics
Classification: Uncertain significance for Inborn genetic diseases. Last evaluated: 2024-05-28. Review status: criteria provided, single submitter. Criteria: Ambry Variant Classification Scheme 2023. Collection method: clinical testing. Allele origin: germline.
Comment: The p.M1517V variant (also known as c.4549A>G), located in coding exon 26 of the ATR gene, results from an A to G substitution at nucleotide position 4549. The methionine at codon 1517 is replaced by valine, an amino acid with highly similar properties. This amino acid position is conserved. In addition, this alteration is predicted to be tolerated by in silico analysis. Since supporting evidence is limited at this time, the clinical significance of this alteration remains unclear.

NM_001184.4(ATR):c.4549A>G (p.Met1517Val)

Gene: ATR (ATR checkpoint kinase; minus strand). Cytogenetic location: 3q23.
Variant type: single nucleotide variant.
Coding change: c.4549A>G on transcript NM_001184.4 (MANE Select); coding-DNA position 4549, A replaced by G.
Protein change: p.Met1517Val; replaces methionine 1517 with valine.
Molecular consequence: missense variant.
Genome position (GRCh38, 1-based): chr3:142,513,593, T>C on the plus strand (A>G on the coding strand, the complement: ATR is on the minus strand). VCF-style: chr3-142513593-T-C. GRCh37 (hg19) VCF-style: chr3-142232435-T-C.
Other names: c.4357A>G, p.Met1453Val (NM_001354579.2); short protein forms M1517V, M1453V.
Identifiers: ClinVar variation 1741397 (VCV001741397.3), dbSNP rs2473223824, ClinGen allele CA354797032.
Genomic context (GRCh38, chr3:142,513,593, plus strand): 5'-AGACATACACCAGAATATGTGGAAGAAGATAGATGGTCACTTTGAAATCATGCTTCATCA[T>C]AATGCTACAGCAGGTGAAAATTTTACTGGCAAGATCATGTCGAACCTGTAAATGCAAAAT-3'
Protein context (NP_001175.2, residues 1507-1527): ASKIFTCCSI[Met1517Val]MKHDFKVTIY